The following is an entry in ClinVar:

ClinVar aggregate classification (germline): Uncertain significance. Review status: criteria provided, multiple submitters, no conflicts (2 of 4 stars). 2 submissions from 2 submitters: Uncertain significance (2). Last evaluated 2025-09-23.

Conditions:
Familial cancer of breast. Also called: Hereditary breast cancer; hereditary breast carcinoma; BREAST CANCER, FAMILIAL. Identifiers: Orphanet 227535, MedGen C0346153, MONDO:0016419, OMIM 114480. Disease mechanism: loss of function.
Fanconi anemia complementation group J. Also called: BRIP1-Related Fanconi Anemia. Identifiers: Orphanet 84, MedGen C1836860, MONDO:0012187, OMIM 609054.
Hereditary cancer-predisposing syndrome. Also called: Hereditary Cancer Syndrome; Neoplastic Syndromes, Hereditary; Hereditary neoplastic syndrome; Tumor predisposition. Identifiers: Orphanet 140162, MedGen C0027672, MeSH D009386, MONDO:0015356.

Submissions (2):

Labcorp Genetics (formerly Invitae), Labcorp
Classification: Uncertain significance for Familial cancer of breast; Fanconi anemia complementation group J. Last evaluated: 2025-09-23. Review status: criteria provided, single submitter. Criteria: Invitae Variant Classification Sherloc (09022015). Collection method: clinical testing. Allele origin: germline.
Comment: This sequence change replaces isoleucine, which is neutral and non-polar, with valine, which is neutral and non-polar, at codon 552 of the BRIP1 protein (p.Ile552Val). This variant is not present in population databases (gnomAD no frequency). This variant has not been reported in the literature in individuals affected with BRIP1-related conditions. ClinVar contains an entry for this variant (Variation ID: 819761). Invitae Evidence Modeling of protein sequence and biophysical properties (such as structural, functional, and spatial information, amino acid conservation, physicochemical variation, residue mobility, and thermodynamic stability) indicates that this missense variant is not expected to disrupt BRIP1 protein function with a negative predictive value of 95%. In summary, the available evidence is currently insufficient to determine the role of this variant in disease. Therefore, it has been classified as a Variant of Uncertain Significance.

Ambry Genetics
Classification: Uncertain significance for Hereditary cancer-predisposing syndrome. Last evaluated: 2019-01-07. Review status: criteria provided, single submitter. Criteria: Ambry Variant Classification Scheme 2023. Collection method: clinical testing. Allele origin: germline.
Comment: The p.I552V variant (also known as c.1654A>G), located in coding exon 11 of the BRIP1 gene, results from an A to G substitution at nucleotide position 1654. The isoleucine at codon 552 is replaced by valine, an amino acid with highly similar properties. This amino acid position is highly conserved through mammals but not in all available vertebrate species. In addition, this alteration is predicted to be tolerated by in silico analysis. Since supporting evidence is limited at this time, the clinical significance of this alteration remains unclear.

NM_032043.3(BRIP1):c.1654A>G (p.Ile552Val)

Gene: BRIP1 (BRCA1 interacting DNA helicase 1; minus strand). Cytogenetic location: 17q23.2.
Variant type: single nucleotide variant.
Coding change: c.1654A>G on transcript NM_032043.3 (MANE Select); coding-DNA position 1654, A replaced by G.
Protein change: p.Ile552Val; replaces isoleucine 552 with valine.
Molecular consequence: missense variant.
Genome position (GRCh38, 1-based): chr17:61,780,980, T>C on the plus strand (A>G on the coding strand, the complement: BRIP1 is on the minus strand). VCF-style: chr17-61780980-T-C. GRCh37 (hg19) VCF-style: chr17-59858341-T-C.
Other names: short protein forms I552V.
Identifiers: ClinVar variation 819761 (VCV000819761.15), dbSNP rs1603334819, ClinGen allele CA400480538.